The following is an entry in ClinVar:

ClinVar aggregate classification (germline): Uncertain significance. Review status: criteria provided, multiple submitters, no conflicts (2 of 4 stars). 3 submissions from 3 submitters: Uncertain significance (3). Last evaluated 2023-04-11.

Conditions:
Inborn genetic diseases. Identifiers: MedGen C0950123, MeSH D030342.
Immunodeficiency, common variable, 7. Identifiers: Orphanet 1572, Orphanet 696894, MedGen C3542922, MONDO:0013862, OMIM 614699.

Submissions (3):

Genome-Nilou Lab
Classification: Uncertain significance for Immunodeficiency, common variable, 7. Last evaluated: 2023-04-11. Review status: criteria provided, single submitter. Criteria: ACMG Guidelines, 2015. Collection method: clinical testing. Allele origin: germline. Affected: no.

Labcorp Genetics (formerly Invitae), Labcorp
Classification: Uncertain significance for Immunodeficiency, common variable, 7. Last evaluated: 2022-04-06. Review status: criteria provided, single submitter. Criteria: Invitae Variant Classification Sherloc (09022015). Collection method: clinical testing. Allele origin: germline.
Comment: Algorithms developed to predict the effect of missense changes on protein structure and function (SIFT, PolyPhen-2, Align-GVGD) all suggest that this variant is likely to be tolerated. In summary, the available evidence is currently insufficient to determine the role of this variant in disease. Therefore, it has been classified as a Variant of Uncertain Significance. This variant has not been reported in the literature in individuals affected with CR2-related conditions. This variant is not present in population databases (gnomAD no frequency). This sequence change replaces threonine, which is neutral and polar, with asparagine, which is neutral and polar, at codon 958 of the CR2 protein (p.Thr958Asn).

Ambry Genetics
Classification: Uncertain significance for Inborn genetic diseases. Last evaluated: 2021-06-25. Review status: criteria provided, single submitter. Criteria: Ambry Variant Classification Scheme 2023. Collection method: clinical testing. Allele origin: germline.

NM_001006658.3(CR2):c.2873C>A (p.Thr958Asn)

Gene: CR2 (complement C3d receptor 2; plus strand). Cytogenetic location: 1q32.2.
Variant type: single nucleotide variant.
Coding change: c.2873C>A on transcript NM_001006658.3 (MANE Select); coding-DNA position 2873, C replaced by A.
Protein change: p.Thr958Asn; replaces threonine 958 with asparagine.
Molecular consequence: missense variant.
Genome position (GRCh38, 1-based): chr1:207,476,390, C>A. VCF-style: chr1-207476390-C-A. GRCh37 (hg19) VCF-style: chr1-207649735-C-A.
Other names: c.2696C>A, p.Thr899Asn (NM_001877.5); short protein forms T958N, T899N.
Identifiers: ClinVar variation 2102940 (VCV002102940.6), dbSNP rs762306518, ClinGen allele CA344540284.